The following is an entry in ClinVar:

ClinVar aggregate classification (germline): Uncertain significance (1 of 4 stars; one submission).

gnomAD v4.1: 1 of 1,609,544 alleles (0.000062%); highest among the groups gnomAD compares: Non-Finnish European, 0.000085%; no homozygotes.

Submission:

Labcorp Genetics (formerly Invitae), Labcorp
Classification: Uncertain significance. Last evaluated: 2025-08-21. Review status: criteria provided, single submitter. Criteria: Invitae Variant Classification Sherloc (09022015). Collection method: clinical testing. Allele origin: germline.
Comment: This sequence change replaces glycine, which is neutral and non-polar, with aspartic acid, which is acidic and polar, at codon 1134 of the RIMS1 protein (p.Gly1134Asp). This variant is present in population databases (rs766454945, gnomAD 0.002%). This variant has not been reported in the literature in individuals affected with RIMS1-related conditions. ClinVar contains an entry for this variant (Variation ID: 942594). An algorithm developed to predict the effect of missense changes on protein structure and function (PolyPhen-2) suggests that this variant is likely to be disruptive. In summary, the available evidence is currently insufficient to determine the role of this variant in disease. Therefore, it has been classified as a Variant of Uncertain Significance.

NM_014989.7(RIMS1):c.3401G>A (p.Gly1134Asp)

Gene: RIMS1 (regulating synaptic membrane exocytosis 1; plus strand). Cytogenetic location: 6q13.
Variant type: single nucleotide variant.
Coding change: c.3401G>A on transcript NM_014989.7 (MANE Select); coding-DNA position 3401, G replaced by A.
Protein change: p.Gly1134Asp; replaces glycine 1134 with aspartic acid.
Molecular consequence: missense variant. On other transcripts: intron variant (58).
Genome position (GRCh38, 1-based): chr6:72,274,351, G>A. VCF-style: chr6-72274351-G-A. GRCh37 (hg19) VCF-style: chr6-72984054-G-A.
Other names: c.1625+8302G>A (NM_001350438.2, NM_001168407.2, NM_001350422.2 and 5 more transcripts); c.1536-9696G>A (NM_001350454.2, NM_001350449.2); c.1535+13584G>A (NM_001350432.2); c.1473-9696G>A (NM_001350447.2, NM_001350440.2); c.1472+15240G>A (NM_001350444.2, NM_001350423.2, NM_001350419.2); c.1628+8302G>A (NM_001350452.2, NM_001350446.2, NM_001350442.2 and 7 more transcripts); c.1559+8302G>A (NM_001350462.2, NM_001350428.2, NM_001350459.2 and 1 more transcripts); c.1385+8302G>A (NM_001350469.2, NM_001168409.2, NM_001350466.2 and 2 more transcripts); and 20 more; short protein forms G544D, G520D, G1134D, G522D, G543D.
Identifiers: ClinVar variation 942594 (VCV000942594.9), dbSNP rs766454945, ClinGen allele CA3886237.
Genomic context (GRCh38, chr6:72,274,351, plus strand): 5'-TTATTTTAGGAGTTACTAAATGTCCTGTTTTTTCCTGTCTTGTTCACTGGGCAAACAGGG[G>A]TAGATGGTCCCCCTCCCTAGATAGGAGACGACCTCCTAGTCCCAGGATTCAAATCCAGCA-3'
Protein context (NP_055804.2, residues 1124-1144): TSLHSPERER[Gly1134Asp]RWSPSLDRRR